The following is an entry in ClinVar:

NM_006277.3(ITSN2):c.4800C>T (p.Ser1600=)

Gene: ITSN2 (intersectin 2; minus strand). Cytogenetic location: 2p23.3.
Variant type: single nucleotide variant.
Coding change: c.4800C>T on transcript NM_006277.3 (MANE Select); coding-DNA position 4800, C replaced by T.
Protein change: p.Ser1600=; no amino-acid change (serine 1600 retained).
Molecular consequence: synonymous variant.
Genome position (GRCh38, 1-based): chr2:24,204,381, G>A on the plus strand (C>T on the coding strand, the complement: ITSN2 is on the minus strand). VCF-style: chr2-24204381-G-A. GRCh37 (hg19) VCF-style: chr2-24427250-G-A.
Other names: c.4758C>T, p.Ser1586= (NM_001348181.2); c.4680C>T, p.Ser1560= (NM_001348182.2); c.4719C>T, p.Ser1573= (NM_019595.4).
Identifiers: ClinVar variation 3034736 (VCV003034736.2), dbSNP rs147454224, ClinGen allele CA1550393.

ClinVar aggregate classification (germline): Likely benign (0 of 4 stars; one submission).

Conditions:
ITSN2-related disorder. Also called: ITSN2-related condition.

Allele frequency attached by ClinVar (database versions not stated): ExAC 0.00026; gnomAD 0.00035; TOPMed 0.00043; ESP Exome Variant Server 0.00046; gnomAD exomes 0.00076.
gnomAD v4.1: 1,135 of 1,614,066 alleles (0.07%); highest among the groups gnomAD compares: Non-Finnish European, 0.093%; 1 homozygote.

Submission:

PreventionGenetics, part of Exact Sciences
Classification: Likely benign for ITSN2-related condition. Last evaluated: 2022-12-14. Review status: no assertion criteria provided. Collection method: clinical testing. Allele origin: germline.
Comment: This variant is classified as likely benign based on ACMG/AMP sequence variant interpretation guidelines (Richards et al. 2015 PMID: 25741868, with internal and published modifications).